The following is an entry in ClinVar:

ClinVar aggregate classification (germline): Pathogenic. Review status: criteria provided, multiple submitters, no conflicts (2 of 4 stars). 2 submissions from 2 submitters: Pathogenic (2). Last evaluated 2023-09-14.

Conditions:
Lymphatic malformation 6 (LMPHM6). Also called: PIEZO1-related generalized lymphatic dysplasia with non-immune hydrops fetalis; GENERALIZED LYMPHATIC DYSPLASIA OF FOTIOU; Lymphedema, hereditary, III. Identifiers: Orphanet 568062, MedGen C4225184, MONDO:0014797, OMIM 616843.

Allele frequency attached by ClinVar (database versions not stated): gnomAD exomes 0.00002; gnomAD 0.00003; TOPMed 0.00004.

Submissions (2):

GeneDx
Classification: Pathogenic. Last evaluated: 2023-09-14. Review status: criteria provided, single submitter. Criteria: GeneDx Variant Classification Process June 2021. Collection method: clinical testing. Allele origin: germline. Affected: yes.
Comment: Nonsense variant predicted to result in protein truncation or nonsense mediated decay in a gene for which loss of function is a known mechanism of disease; Not observed at significant frequency in large population cohorts (gnomAD); This variant is associated with the following publications: (PMID: 28749478, 34358671, 32112123, 34645488, 34930662)

HudsonAlpha Institute for Biotechnology
Classification: Pathogenic for Lymphatic malformation 6. Last evaluated: 2019-10-23. Review status: criteria provided, single submitter. Criteria: ACMG Guidelines, 2015. Collection method: research. Allele origin: maternal. Affected: yes. Observed: 1 variant allele. Study: CSER-SouthSeq.
Comment: ACMG codes: PVS1, PM2, PP5

NM_001142864.4(PIEZO1):c.1264C>T (p.Gln422Ter)

Genes: PIEZO1 (piezo type mechanosensitive ion channel component 1 (Er blood group); minus strand), HSALR1 (HSP90AB1 associated lncRNA 1; plus strand). Cytogenetic location: 16q24.3.
Variant type: single nucleotide variant.
Coding change: c.1264C>T on transcript NM_001142864.4 (MANE Select); coding-DNA position 1264, C replaced by T.
Protein change: p.Gln422Ter; replaces glutamine 422 with a stop codon.
Molecular consequence: nonsense.
Genome position (GRCh38, 1-based): chr16:88,736,671, G>A on the plus strand (C>T on the coding strand, the complement: PIEZO1 is on the minus strand). VCF-style: chr16-88736671-G-A. GRCh37 (hg19) VCF-style: chr16-88803079-G-A.
Other names: c.1264C>T, p.Gln422Ter (LRG_1137t1); short protein forms Q422*.
Identifiers: ClinVar variation 449461 (VCV000449461.7), dbSNP rs934897228, ClinGen allele CA286433423.